The following is an entry in ClinVar:

NM_005228.5(EGFR):c.88+6G>C

Gene: EGFR (epidermal growth factor receptor; plus strand). Cytogenetic location: 7p11.2.
Variant type: single nucleotide variant.
Coding change: c.88+6G>C on transcript NM_005228.5 (MANE Select); 6 bases into the intron after coding-DNA position 88, G replaced by C.
Molecular consequence: intron variant.
Genome position (GRCh38, 1-based): chr7:55,019,371, G>C. VCF-style: chr7-55019371-G-C. GRCh37 (hg19) VCF-style: chr7-55087064-G-C.
Other names: c.88+6G>C (NM_001346899.2, NM_001346941.2, NM_001346898.2 and 4 more transcripts).
Identifiers: ClinVar variation 1035281 (VCV001035281.8), dbSNP rs1786376401, ClinGen allele CA1708844991.

ClinVar aggregate classification (germline): Uncertain significance (1 of 4 stars; one submission).

Conditions:
EGFR-related lung cancer (EGFR). Identifiers: MedGen CN130014.

Submission:

Labcorp Genetics (formerly Invitae), Labcorp
Classification: Uncertain significance for EGFR-related lung cancer. Last evaluated: 2025-08-20. Review status: criteria provided, single submitter. Criteria: Invitae Variant Classification Sherloc (09022015). Collection method: clinical testing. Allele origin: germline.
Comment: This sequence change falls in intron 1 of the EGFR gene. It does not directly change the encoded amino acid sequence of the EGFR protein. It affects a nucleotide within the consensus splice site. This variant is not present in population databases (gnomAD no frequency). This variant has not been reported in the literature in individuals affected with EGFR-related conditions. ClinVar contains an entry for this variant (Variation ID: 1035281). Variants that disrupt the consensus splice site are a relatively common cause of aberrant splicing (PMID: 17576681, 9536098). Algorithms developed to predict the effect of sequence changes on RNA splicing suggest that this variant is not likely to affect RNA splicing. In summary, the available evidence is currently insufficient to determine the role of this variant in disease. Therefore, it has been classified as a Variant of Uncertain Significance.

Literature cited by the submitters: PubMed 17576681; PubMed 9536098.